The following is an entry in ClinVar:

NM_005655.4(KLF10):c.784G>C (p.Val262Leu)

Gene: KLF10 (KLF transcription factor 10; minus strand). Cytogenetic location: 8q22.3.
Variant type: single nucleotide variant.
Coding change: c.784G>C on transcript NM_005655.4 (MANE Select); coding-DNA position 784, G replaced by C.
Protein change: p.Val262Leu; replaces valine 262 with leucine.
Molecular consequence: missense variant.
Genome position (GRCh38, 1-based): chr8:102,651,548, C>G on the plus strand (G>C on the coding strand, the complement: KLF10 is on the minus strand). VCF-style: chr8-102651548-C-G. GRCh37 (hg19) VCF-style: chr8-103663776-C-G.
Other names: c.751G>C, p.Val251Leu (NM_001032282.4); c.784G>C (NM_005655.2); short protein forms V251L, V262L.
Identifiers: ClinVar variation 1354378 (VCV001354378.7), dbSNP rs1194508579, ClinGen allele CA371627140.
Genomic context (GRCh38, chr8:102,651,548, plus strand): 5'-TGGCAGGAAGGGGAACCATCTGGCAGATGACCGGCATAGGTGGCACTCCCCCTGCAGATA[C>G]TGCAGGTGGAGAGACCAACACTGACTTCTGTTGTGGGGACACAGGGGCTGGCTGAGACCT-3'
Protein context (NP_005646.1, residues 252-272): QKSVLVSPPA[Val262Leu]SAGGVPPMPV

ClinVar aggregate classification (germline): Uncertain significance. Review status: criteria provided, multiple submitters, no conflicts (2 of 4 stars). 2 submissions from 2 submitters: Uncertain significance (2). Last evaluated 2026-08-18.

Allele frequency attached by ClinVar (database versions not stated): TOPMed 0.00001; gnomAD exomes below 0.00001.
gnomAD v4.1: 1 of 1,614,046 alleles (0.000062%); highest among the groups gnomAD compares: Non-Finnish European, 0.000085%; no homozygotes.

Submissions (2):

Ambry Genetics
Classification: Uncertain significance. Last evaluated: 2026-08-18. Review status: criteria provided, single submitter. Criteria: Ambry Variant Classification Scheme 2023. Collection method: clinical testing. Allele origin: germline.

Labcorp Genetics (formerly Invitae), Labcorp
Classification: Uncertain significance. Last evaluated: 2023-11-17. Review status: criteria provided, single submitter. Criteria: Invitae Variant Classification Sherloc (09022015). Collection method: clinical testing. Allele origin: germline.
Comment: This sequence change replaces valine, which is neutral and non-polar, with leucine, which is neutral and non-polar, at codon 262 of the KLF10 protein (p.Val262Leu). This variant is not present in population databases (gnomAD no frequency). This variant has not been reported in the literature in individuals affected with KLF10-related conditions. ClinVar contains an entry for this variant (Variation ID: 1354378). An algorithm developed to predict the effect of missense changes on protein structure and function (PolyPhen-2) suggests that this variant is likely to be tolerated. In summary, the available evidence is currently insufficient to determine the role of this variant in disease. Therefore, it has been classified as a Variant of Uncertain Significance.